The following is an entry in ClinVar:

ClinVar aggregate classification (germline): Benign/Likely benign. Review status: criteria provided, multiple submitters, no conflicts (2 of 4 stars). 2 submissions from 2 submitters: Benign (1); Likely benign (1). Last evaluated 2025-08-14.

Allele frequency attached by ClinVar (database versions not stated): gnomAD exomes 0.00007 and 0.00017; ExAC 0.00025; ESP Exome Variant Server 0.00050; gnomAD 0.00066 and 0.00074; TOPMed 0.00070; 1000 Genomes Project 0.00080; 1000 Genomes Project 30x 0.00094.
gnomAD v4.1: 202 of 1,609,024 alleles (0.013%); highest among the groups gnomAD compares: African/African-American, 0.25%; no homozygotes.

Submissions (2):

Labcorp Genetics (formerly Invitae), Labcorp
Classification: Benign. Last evaluated: 2025-08-14. Review status: criteria provided, single submitter. Criteria: Invitae Variant Classification Sherloc (09022015). Collection method: clinical testing. Allele origin: germline.

Women's Health and Genetics/Laboratory Corporation of America, LabCorp
Classification: Likely benign. Last evaluated: 2024-02-29. Review status: criteria provided, single submitter. Criteria: LabCorp Variant Classification Summary - May 2015. Collection method: clinical testing. Allele origin: germline.
Comment: Variant summary: MPDZ c.2154+7A>G alters a non-conserved nucleotide located close to a canonical splice site and therefore could affect mRNA splicing, leading to a significantly altered protein sequence. Consensus agreement among computation tools predict no significant impact on normal splicing. However, these predictions have yet to be confirmed by functional studies. The variant allele was found at a frequency of 0.00017 in 241438 control chromosomes, predominantly at a frequency of 0.0026 within the African or African-American subpopulation in the gnomAD database. To our knowledge, no occurrence of c.2154+7A>G in individuals affected with Hydrocephalus, Nonsyndromic, Autosomal Recessive 2 and no experimental evidence demonstrating its impact on protein function have been reported. ClinVar contains an entry for this variant (Variation ID: 736777). Based on the evidence outlined above, the variant was classified as likely benign.

NM_001378778.1(MPDZ):c.2154+7A>G

Gene: MPDZ (multiple PDZ domain crumbs cell polarity complex component; minus strand). Cytogenetic location: 9p23.
Variant type: single nucleotide variant.
Coding change: c.2154+7A>G on transcript NM_001378778.1 (MANE Select); 7 bases into the intron after coding-DNA position 2154, A replaced by G.
Molecular consequence: intron variant.
Genome position (GRCh38, 1-based): chr9:13,190,107, T>C on the plus strand (A>G on the coding strand, the complement: MPDZ is on the minus strand). VCF-style: chr9-13190107-T-C. GRCh37 (hg19) VCF-style: chr9-13190106-T-C.
Other names: c.2154+7A>G (NM_001375425.1, NM_001375420.1, NM_001375419.1 and 14 more transcripts).
Identifiers: ClinVar variation 736777 (VCV000736777.11), dbSNP rs139829341, ClinGen allele CA4987558.